The following is an entry in ClinVar:

NM_201384.3(PLEC):c.211C>T (p.Arg71Cys)

Gene: PLEC (plectin; minus strand). Cytogenetic location: 8q24.3.
Variant type: single nucleotide variant.
Coding change: c.211C>T on transcript NM_201384.3 (MANE Select); coding-DNA position 211, C replaced by T.
Protein change: p.Arg71Cys; replaces arginine 71 with cysteine.
Molecular consequence: missense variant.
Genome position (GRCh38, 1-based): chr8:143,938,204, G>A on the plus strand (C>T on the coding strand, the complement: PLEC is on the minus strand). VCF-style: chr8-143938204-G-A. GRCh37 (hg19) VCF-style: chr8-145012372-G-A.
Other names: c.292C>T, p.Arg98Cys (NM_000445.5); c.169C>T, p.Arg57Cys (NM_201378.4); c.145C>T, p.Arg49Cys (NM_201379.3); c.622C>T, p.Arg208Cys (NM_201380.4); c.115C>T, p.Arg39Cys (NM_201381.3); c.211C>T, p.Arg71Cys (NM_201382.4); c.223C>T, p.Arg75Cys (NM_201383.3); short protein forms R208C, R39C, R49C, R57C, R71C, R75C, R98C.
Identifiers: ClinVar variation 432735 (VCV000432735.8), dbSNP rs781901742, ClinGen allele CA4928569.

ClinVar aggregate classification (germline): Uncertain significance. Review status: criteria provided, multiple submitters, no conflicts (2 of 4 stars). 3 submissions from 3 submitters: Uncertain significance (3). Last evaluated 2024-08-13.

Conditions:
Epidermolysis bullosa simplex with nail dystrophy (EBS5D). Identifiers: MedGen C4225309, MONDO:0014661, OMIM 616487.
Autosomal recessive limb-girdle muscular dystrophy type 2Q (LGMDR17). Also called: MUSCULAR DYSTROPHY, LIMB-GIRDLE, AUTOSOMAL RECESSIVE 17. Identifiers: Orphanet 254361, MedGen C3150989, MONDO:0013390, OMIM 613723.
Epidermolysis bullosa simplex 5B, with muscular dystrophy (EBS5B). Also called: EPIDERMOLYSIS BULLOSA SIMPLEX AND LIMB-GIRDLE MUSCULAR DYSTROPHY; Epidermolysis bullosa simplex with muscular dystrophy. Identifiers: Orphanet 257, MedGen C2931072, MONDO:0009181, OMIM 226670.
Epidermolysis bullosa simplex, Ogna type (EBS5A). Also called: Pidermolysis bullosa simplex 5A, Ogna type; EPIDERMOLYSIS BULLOSA SIMPLEX 5A, OGNA TYPE. Identifiers: Orphanet 79401, MedGen C0432317, MONDO:0007555, OMIM 131950.
Epidermolysis bullosa simplex 5C, with pyloric atresia (EBS5C). Also called: PLEC-Related Epidermolysis Bullosa with Pyloric Atresia; PLEC1-Related Epidermolysis Bullosa with Pyloric Atresia; Epidermolysis bullosa simplex with pyloric atresia. Identifiers: Orphanet 158684, MedGen C2677349, MONDO:0012807, OMIM 612138.

Allele frequency attached by ClinVar (database versions not stated): gnomAD exomes below 0.00001; ExAC 0.00001.

Submissions (3):

Women's Health and Genetics/Laboratory Corporation of America, LabCorp
Classification: Uncertain significance. Last evaluated: 2024-08-13. Review status: criteria provided, single submitter. Criteria: LabCorp Variant Classification Summary - May 2015. Collection method: clinical testing. Allele origin: germline.
Comment: Variant summary: PLEC c.292C>T (p.Arg98Cys) results in a non-conservative amino acid change located in the Plectin/eS10, N-terminal domain (IPR005326) of the encoded protein sequence. Five of five in-silico tools predict a damaging effect of the variant on protein function. The variant allele was found at a frequency of 4.2e-06 in 239874 control chromosomes. The available data on variant occurrences in the general population are insufficient to allow any conclusion about variant significance. To our knowledge, no occurrence of c.292C>T in individuals affected with PLEC-Related Disorders and no experimental evidence demonstrating its impact on protein function have been reported. ClinVar contains an entry for this variant (Variation ID: 432735). Based on the evidence outlined above, the variant was classified as uncertain significance.

Labcorp Genetics (formerly Invitae), Labcorp
Classification: Uncertain significance for Autosomal recessive limb-girdle muscular dystrophy type 2Q; Epidermolysis bullosa simplex, Ogna type; Epidermolysis bullosa simplex with nail dystrophy; Epidermolysis bullosa simplex 5C, with pyloric atresia; Epidermolysis bullosa simplex 5B, with muscular dystrophy. Last evaluated: 2022-01-04. Review status: criteria provided, single submitter. Criteria: Invitae Variant Classification Sherloc (09022015). Collection method: clinical testing. Allele origin: germline.
Comment: ClinVar contains an entry for this variant (Variation ID: 432735). This variant has not been reported in the literature in individuals affected with PLEC-related conditions. The frequency data for this variant in the population databases is considered unreliable, as metrics indicate poor data quality at this position in the gnomAD database. This sequence change replaces arginine, which is basic and polar, with cysteine, which is neutral and slightly polar, at codon 98 of the PLEC protein (p.Arg98Cys). Algorithms developed to predict the effect of missense changes on protein structure and function are either unavailable or do not agree on the potential impact of this missense change (SIFT: "Deleterious"; PolyPhen-2: "Not Available"; Align-GVGD: "Class C0"). In summary, the available evidence is currently insufficient to determine the role of this variant in disease. Therefore, it has been classified as a Variant of Uncertain Significance.

GeneDx
Classification: Uncertain significance. Last evaluated: 2017-06-15. Review status: criteria provided, single submitter. Criteria: GeneDx Variant Classification (06012015). Collection method: clinical testing. Allele origin: germline. Affected: yes.
Comment: A variant of uncertain significance has been identified in the PLEC gene. The R98C variant has not been published as a pathogenic variant, nor has it been reported as a benign variant to our knowledge. The R98C variant is not observed at a significant frequency in large population cohorts (Lek et al., 2016; 1000 Genomes Consortium et al., 2015; Exome Variant Server). The R98C variant is a non-conservative amino acid substitution, which is likely to impact secondary protein structure as these residues differ in polarity, charge, size and/or other properties. This substitution occurs at a position that is conserved across species, and in silico analysis predicts this variant is probably damaging to the protein structure/function. Based on the currently available information, it is unclear whether this variant is a pathogenic variant or a rare benign variant.